The following is an entry in ClinVar:

NM_001211.6(BUB1B):c.239+3G>A

Gene: BUB1B (BUB1 mitotic checkpoint serine/threonine kinase B; plus strand). Cytogenetic location: 15q15.1.
Variant type: single nucleotide variant.
Coding change: c.239+3G>A on transcript NM_001211.6 (MANE Select); 3 bases into the intron after coding-DNA position 239, G replaced by A.
Molecular consequence: intron variant.
Genome position (GRCh38, 1-based): chr15:40,170,124, G>A. VCF-style: chr15-40170124-G-A. GRCh37 (hg19) VCF-style: chr15-40462325-G-A.
Identifiers: ClinVar variation 4715365 (VCV004715365.1).
Genomic context (GRCh38, chr15:40,170,124, plus strand): 5'-CATTTGAATATGAAATTCGATTTTACACTGGAAATGACCCTCTGGATGTTTGGGATAGGT[G>A]GGTCTTTTTATTTCACAAGGACAATAGAAACATTAACAGATAAGTCCTTATGGCCATGTT-3'

ClinVar aggregate classification (germline): Uncertain significance (1 of 4 stars; one submission).

Conditions:
Mosaic variegated aneuploidy syndrome 1 (MVA1). Also called: Warburton-Anyane-Yeboa syndrome. Identifiers: Orphanet 1052, MedGen C1850343, MONDO:0009759, OMIM 257300.

Submission:

Labcorp Genetics (formerly Invitae), Labcorp
Classification: Uncertain significance for Mosaic variegated aneuploidy syndrome 1. Last evaluated: 2025-03-18. Review status: criteria provided, single submitter. Criteria: Invitae Variant Classification Sherloc (09022015). Collection method: clinical testing. Allele origin: germline.
Comment: This sequence change falls in intron 3 of the BUB1B gene. It does not directly change the encoded amino acid sequence of the BUB1B protein. It affects a nucleotide within the consensus splice site. This variant is not present in population databases (gnomAD no frequency). This variant has not been reported in the literature in individuals affected with BUB1B-related conditions. Variants that disrupt the consensus splice site are a relatively common cause of aberrant splicing (PMID: 17576681, 9536098). Algorithms developed to predict the effect of sequence changes on RNA splicing suggest that this variant is not likely to affect RNA splicing. In summary, the available evidence is currently insufficient to determine the role of this variant in disease. Therefore, it has been classified as a Variant of Uncertain Significance.

Literature cited by the submitters: PubMed 17576681; PubMed 9536098.